The following is an entry in ClinVar:

ClinVar aggregate classification (germline): Pathogenic (0 of 4 stars; one submission).

Conditions:
Polycystic kidney disease. Also called: Polycystic kidney dysplasia; Kidney, Polycystic. Identifiers: MedGen C0022680, MeSH D007690, MONDO:0020642, HP:0000113.

Submission:

Department of Pathology and Laboratory Medicine, Sinai Health System
Classification: Pathogenic for Polycystic Kidney disease. Review status: no assertion criteria provided. Collection method: clinical testing. Allele origin: unknown. Affected: yes. Study: The Canadian Open Genetics Repository (COGR).
Comment: The PKD1 p.Ala4003ProfsX36 variant was not identified in the literature nor was it identified in the dbSNP, ClinVar, GeneInsight-COGR, LOVD 3.0, ADPKD Mutation Database, PKD1-LOVD, the 1000 Genomes Project, the NHLBI GO Exome Sequencing Project, the Exome Aggregation Consortium (August 8th 2016), or the Genome Aggregation Database (Feb 27, 2017). FUNCTION DATA. The c.12007delG variant is predicted to cause a frameshift, which alters the protein amino acid sequence beginning at codon 4003 and leads to a premature stop codon 36 codons downstream. This alteration is then predicted to result in a truncated or absent protein and loss of function. Loss of function variants of the PKD1 gene are an established mechanism of disease in autosomal dominant polycystic kidney disease and is the type of variant expected to cause the disorder. In summary, based on the above information this variant meets our laboratoryâ€šÃ„Ã´s criteria to be classified as pathogenic.

NM_001009944.3(PKD1):c.12007del (p.Ala4003fs)

Gene: PKD1 (polycystin 1, transient receptor potential channel interacting; minus strand). Cytogenetic location: 16p13.3.
Variant type: Deletion.
Coding change: c.12007del on transcript NM_001009944.3 (MANE Select); coding-DNA position 12007, one base deleted (G; older notation c.12007delG).
Protein change: p.Ala4003fs; shifts the reading frame from alanine 4003.
Molecular consequence: frameshift variant.
Genome position (GRCh38, 1-based): chr16:2,090,805, C deleted on the plus strand (G on the coding strand, the reverse complement: PKD1 is on the minus strand). VCF-style (leftmost placement, unchanged base first): chr16-2090804-GC-G. GRCh37 (hg19) VCF-style: chr16-2140805-GC-G.
Other names: c.12004del, p.Ala4002fs (NM_000296.4); short protein forms A4002fs, A4003fs.
Identifiers: ClinVar variation 997369 (VCV000997369.1), dbSNP rs2091475296, ClinGen allele CA2202042513.
Genomic context (GRCh38, chr16:2,090,804, plus strand): 5'-AGAGCTCGGCATAATGTCTTGCCAAAGACGGACCACTGGCGCACGAAGCGTAGCTGCTGG[GC>G]AGCCTGCGGACGAGAAATCTGTCTGCTTGCAGCCCTGGGGTGTGCGCCCAGCCCCGCGCC-3'